The following is an entry in ClinVar:

ClinVar aggregate classification (germline): Pathogenic (1 of 4 stars; one submission).

Conditions:
Landau-Kleffner syndrome (FESD). Also called: APHASIA, ACQUIRED, WITH EPILEPSY; EPILEPSY, FOCAL, WITH SPEECH DISORDER AND WITH OR WITHOUT MENTAL RETARDATION. Identifiers: Orphanet 1945, Orphanet 725, Orphanet 98818, MedGen C0282512, MONDO:0009509, OMIM 245570.

Submission:

Labcorp Genetics (formerly Invitae), Labcorp
Classification: Pathogenic for Landau-Kleffner syndrome. Last evaluated: 2021-08-11. Review status: criteria provided, single submitter. Criteria: Invitae Variant Classification Sherloc (09022015). Collection method: clinical testing. Allele origin: germline.
Comment: This sequence change creates a premature translational stop signal (p.Tyr475*) in the GRIN2A gene. It is expected to result in an absent or disrupted protein product. Loss-of-function variants in GRIN2A are known to be pathogenic (PMID: 23933819, 23933820). This variant is not present in population databases (ExAC no frequency). This variant has not been reported in the literature in individuals affected with GRIN2A-related conditions. For these reasons, this variant has been classified as Pathogenic.

Literature cited by the submitters: PubMed 23933819; PubMed 23933820.

NM_001134407.3(GRIN2A):c.1425C>G (p.Tyr475Ter)

Gene: GRIN2A (glutamate ionotropic receptor NMDA type subunit 2A; minus strand). Cytogenetic location: 16p13.2.
Variant type: single nucleotide variant.
Coding change: c.1425C>G on transcript NM_001134407.3 (MANE Select); coding-DNA position 1425, C replaced by G.
Protein change: p.Tyr475Ter; replaces tyrosine 475 with a stop codon.
Molecular consequence: nonsense.
Genome position (GRCh38, 1-based): chr16:9,841,008, G>C on the plus strand (C>G on the coding strand, the complement: GRIN2A is on the minus strand). VCF-style: chr16-9841008-G-C. GRCh37 (hg19) VCF-style: chr16-9934865-G-C.
Other names: c.1425C>G, p.Tyr475Ter (NM_000833.5, NM_001134408.2); short protein forms Y475*.
Identifiers: ClinVar variation 1366802 (VCV001366802.6), dbSNP rs774228933, ClinGen allele CA394800680.